The following is an entry in ClinVar:

ClinVar aggregate classification (germline): Uncertain significance (1 of 4 stars; one submission).

Conditions:
Charcot-Marie-Tooth disease axonal type 2O. Also called: Charcot-Marie-Tooth disease, axonal, type 20; CHARCOT-MARIE-TOOTH NEUROPATHY, AXONAL, TYPE 2O; CHARCOT-MARIE-TOOTH DISEASE, AXONAL, AUTOSOMAL DOMINANT, TYPE 2O; Charcot-Marie-Tooth Neuropathy Type 2O. Identifiers: Orphanet 284232, MedGen C3280220, MONDO:0013644, OMIM 614228.

Submission:

Labcorp Genetics (formerly Invitae), Labcorp
Classification: Uncertain significance for Charcot-Marie-Tooth disease axonal type 2O. Last evaluated: 2024-05-22. Review status: criteria provided, single submitter. Criteria: Invitae Variant Classification Sherloc (09022015). Collection method: clinical testing. Allele origin: germline.
Comment: This sequence change replaces asparagine, which is neutral and polar, with serine, which is neutral and polar, at codon 4063 of the DYNC1H1 protein (p.Asn4063Ser). This variant is not present in population databases (gnomAD no frequency). This variant has not been reported in the literature in individuals affected with DYNC1H1-related conditions. Advanced modeling of protein sequence and biophysical properties (such as structural, functional, and spatial information, amino acid conservation, physicochemical variation, residue mobility, and thermodynamic stability) performed at Invitae indicates that this missense variant is not expected to disrupt DYNC1H1 protein function with a negative predictive value of 95%. In summary, the available evidence is currently insufficient to determine the role of this variant in disease. Therefore, it has been classified as a Variant of Uncertain Significance.

NM_001376.5(DYNC1H1):c.12188A>G (p.Asn4063Ser)

Gene: DYNC1H1 (dynein cytoplasmic 1 heavy chain 1; plus strand). Cytogenetic location: 14q32.31.
Variant type: single nucleotide variant.
Coding change: c.12188A>G on transcript NM_001376.5 (MANE Select); coding-DNA position 12188, A replaced by G.
Protein change: p.Asn4063Ser; replaces asparagine 4063 with serine.
Molecular consequence: missense variant.
Genome position (GRCh38, 1-based): chr14:102,042,098, A>G. VCF-style: chr14-102042098-A-G. GRCh37 (hg19) VCF-style: chr14-102508435-A-G.
Other names: short protein forms N4063S.
Identifiers: ClinVar variation 3636186 (VCV003636186.2).